The following is an entry in ClinVar:

NM_012424.6(RPS6KC1):c.2707G>C (p.Glu903Gln)

Gene: RPS6KC1 (ribosomal protein S6 kinase C1; plus strand). Cytogenetic location: 1q32.3.
Variant type: single nucleotide variant.
Coding change: c.2707G>C on transcript NM_012424.6 (MANE Select); coding-DNA position 2707, G replaced by C.
Protein change: p.Glu903Gln; replaces glutamic acid 903 with glutamine.
Molecular consequence: missense variant. On other transcripts: non-coding transcript variant (4).
Genome position (GRCh38, 1-based): chr1:213,242,183, G>C. VCF-style: chr1-213242183-G-C. GRCh37 (hg19) VCF-style: chr1-213415526-G-C.
Other names: c.2671G>C, p.Glu891Gln (NM_001136138.4); c.2071G>C, p.Glu691Gln (NM_001287218.3, NM_001287219.3, NM_001349654.2); c.1312G>C, p.Glu438Gln (NM_001287220.3, NM_001349663.2, NM_001349664.2 and 8 more transcripts); c.2164G>C, p.Glu722Gln (NM_001287221.3, NM_001349648.2, NM_001349649.2 and 4 more transcripts); c.2614G>C, p.Glu872Gln (NM_001349646.2); c.2344G>C, p.Glu782Gln (NM_001349647.2); c.1816G>C, p.Glu606Gln (NM_001349657.2, NM_001349658.2); c.1651G>C, p.Glu551Gln (NM_001349659.2, NM_001349660.2, NM_001349661.2 and 1 more transcripts); short protein forms E551Q, E872Q, E891Q, E438Q, E722Q, E606Q, E691Q, E782Q.
Identifiers: ClinVar variation 1476893 (VCV001476893.6), dbSNP rs756205721, ClinGen allele CA1387664.
Genomic context (GRCh38, chr1:213,242,183, plus strand): 5'-CATCAGATTTTTGAGGACCTTGATAAAAAATTAGCACTAGCCTCCAGGTTTTACATCCCA[G>C]AGGGCTGCATTCAAAGATGGGCAGCTGAAATGGTGGTAGCCCTTGATGCTTTACATAGAG-3'
Protein context (NP_036556.2, residues 893-913): LALASRFYIP[Glu903Gln]GCIQRWAAEM

ClinVar aggregate classification (germline): Uncertain significance (1 of 4 stars; one submission).

Allele frequency attached by ClinVar (database versions not stated): ExAC 0.00002; gnomAD 0.00002 and 0.00003; gnomAD exomes 0.00002 and 0.00004; TOPMed 0.00005.
gnomAD v4.1: 27 of 1,613,866 alleles (0.0017%); highest among the groups gnomAD compares: Admixed American, 0.018%; no homozygotes.

Submission:

Labcorp Genetics (formerly Invitae), Labcorp
Classification: Uncertain significance. Last evaluated: 2025-06-04. Review status: criteria provided, single submitter. Criteria: Invitae Variant Classification Sherloc (09022015). Collection method: clinical testing. Allele origin: germline.
Comment: This sequence change replaces glutamic acid, which is acidic and polar, with glutamine, which is neutral and polar, at codon 903 of the RPS6KC1 protein (p.Glu903Gln). This variant is present in population databases (rs756205721, gnomAD 0.02%). This variant has not been reported in the literature in individuals affected with RPS6KC1-related conditions. ClinVar contains an entry for this variant (Variation ID: 1476893). An algorithm developed to predict the effect of missense changes on protein structure and function (PolyPhen-2) suggests that this variant is likely to be disruptive. In summary, the available evidence is currently insufficient to determine the role of this variant in disease. Therefore, it has been classified as a Variant of Uncertain Significance.